The following is an entry in ClinVar:

NM_006279.5(ST3GAL3):c.1038+3T>G

Gene: ST3GAL3 (ST3 beta-galactoside alpha-2,3-sialyltransferase 3; plus strand). Cytogenetic location: 1p34.1.
Variant type: single nucleotide variant.
Coding change: c.1038+3T>G on transcript NM_006279.5 (MANE Select); 3 bases into the intron after coding-DNA position 1038, T replaced by G.
Molecular consequence: intron variant.
Genome position (GRCh38, 1-based): chr1:43,920,931, T>G. VCF-style: chr1-43920931-T-G. GRCh37 (hg19) VCF-style: chr1-44386603-T-G.
Other names: c.1245+3T>G (NM_174963.5); c.1083+3T>G (NM_001350619.2, NM_174964.4); c.443-9201T>G (NM_174965.4); c.*23-9201T>G (NM_001270465.3); c.555-9201T>G (NM_001270463.3); c.1200+3T>G (NM_174968.5); c.907-9201T>G (NM_001363573.2); c.759+3T>G (NM_001350621.2); and 12 more.
Identifiers: ClinVar variation 1019180 (VCV001019180.7), dbSNP rs2082921384, ClinGen allele CA2473133494.

ClinVar aggregate classification (germline): Uncertain significance (1 of 4 stars; one submission).

Conditions:
Early-infantile DEE. Also called: Ohtahara syndrome; Early infantile epileptic encephalopathy with suppression bursts; Early infantile epileptic encephalopathy. Identifiers: Orphanet 1934, MedGen C0393706, MONDO:0800491.

Submission:

Labcorp Genetics (formerly Invitae), Labcorp
Classification: Uncertain significance for Early-infantile DEE. Last evaluated: 2020-07-01. Review status: criteria provided, single submitter. Criteria: Invitae Variant Classification Sherloc (09022015). Collection method: clinical testing. Allele origin: germline.
Comment: In summary, the available evidence is currently insufficient to determine the role of this variant in disease. Therefore, it has been classified as a Variant of Uncertain Significance. Nucleotide substitutions within the consensus splice site are a relatively common cause of aberrant splicing (PMID: 17576681, 9536098). Algorithms developed to predict the effect of sequence changes on RNA splicing suggest that this variant is not likely to affect RNA splicing, but this prediction has not been confirmed by published transcriptional studies. This variant has not been reported in the literature in individuals with ST3GAL3-related conditions. This variant is not present in population databases (ExAC no frequency). This sequence change falls in intron 11 of the ST3GAL3 gene. It does not directly change the encoded amino acid sequence of the ST3GAL3 protein, but it affects a nucleotide within the consensus splice site of the intron.

Literature cited by the submitters: PubMed 17576681; PubMed 9536098.